The following is an entry in ClinVar:

NM_006218.4(PIK3CA):c.2140A>G (p.Asn714Asp)

Gene: PIK3CA (phosphatidylinositol-4,5-bisphosphate 3-kinase catalytic subunit alpha; plus strand). Cytogenetic location: 3q26.32.
Variant type: single nucleotide variant.
Coding change: c.2140A>G on transcript NM_006218.4 (MANE Select); coding-DNA position 2140, A replaced by G.
Protein change: p.Asn714Asp; replaces asparagine 714 with aspartic acid.
Molecular consequence: missense variant.
Genome position (GRCh38, 1-based): chr3:179,221,110, A>G. VCF-style: chr3-179221110-A-G. GRCh37 (hg19) VCF-style: chr3-178938898-A-G.
Other names: short protein forms N714D.
Identifiers: ClinVar variation 5020721 (VCV005020721.1).

ClinVar aggregate classification (germline): Uncertain significance (1 of 4 stars; one submission).

Submission:

Dasa
Classification: Uncertain significance. Last evaluated: 2026-01-26. Review status: criteria provided, single submitter. Criteria: DASA Assertion Criteria. Collection method: clinical testing. Allele origin: germline.
Comment: NM_006218.4(PIK3CA):c.2140A>G (p.Asn714Asp) is a missense variant that results in the substitution of asparagine with aspartic acid. This variant is rare in population databases. The currently available literature and clinical evidence are not sufficient to establish a definitive association between this variant and the reported condition. Therefore, this variant is classified as a variant of uncertain significance.